The following is an entry in ClinVar:

ClinVar aggregate classification (germline): Uncertain significance (1 of 4 stars; one submission).

Submission:

GeneDx
Classification: Uncertain significance. Last evaluated: 2026-02-08. Review status: criteria provided, single submitter. Criteria: GeneDx Variant Classification Process June 2021. Collection method: clinical testing. Allele origin: germline.
Comment: Not observed at significant frequency in large population cohorts (gnomAD); In silico analysis supports that this missense variant has a deleterious effect on protein structure/function; Has not been previously published as pathogenic or benign to our knowledge

NM_019066.5(MAGEL2):c.3383G>C (p.Arg1128Thr)

Gene: MAGEL2 (MAGE family member L2; minus strand). Cytogenetic location: 15q11.2.
Variant type: single nucleotide variant.
Coding change: c.3383G>C on transcript NM_019066.5 (MANE Select); coding-DNA position 3383, G replaced by C.
Protein change: p.Arg1128Thr; replaces arginine 1128 with threonine.
Molecular consequence: missense variant.
Genome position (GRCh38, 1-based): chr15:23,644,360, C>G on the plus strand (G>C on the coding strand, the complement: MAGEL2 is on the minus strand). VCF-style: chr15-23644360-C-G. GRCh37 (hg19) VCF-style: chr15-23889507-C-G.
Other names: short protein forms R1128T.
Identifiers: ClinVar variation 2663634 (VCV002663634.2), dbSNP rs2503974318, ClinGen allele CA391323443.